The following is an entry in ClinVar:

ClinVar aggregate classification (germline): Uncertain significance (1 of 4 stars; one submission).

Conditions:
Epidermolysis bullosa simplex with nail dystrophy (EBS5D). Identifiers: MedGen C4225309, MONDO:0014661, OMIM 616487.
Autosomal recessive limb-girdle muscular dystrophy type 2Q (LGMDR17). Also called: MUSCULAR DYSTROPHY, LIMB-GIRDLE, AUTOSOMAL RECESSIVE 17. Identifiers: Orphanet 254361, MedGen C3150989, MONDO:0013390, OMIM 613723.
Epidermolysis bullosa simplex 5B, with muscular dystrophy (EBS5B). Also called: Epidermolysis bullosa simplex with muscular dystrophy; EPIDERMOLYSIS BULLOSA SIMPLEX AND LIMB-GIRDLE MUSCULAR DYSTROPHY. Identifiers: Orphanet 257, MedGen C2931072, MONDO:0009181, OMIM 226670.
Epidermolysis bullosa simplex 5C, with pyloric atresia (EBS5C). Also called: PLEC-Related Epidermolysis Bullosa with Pyloric Atresia; Epidermolysis bullosa simplex with pyloric atresia; PLEC1-Related Epidermolysis Bullosa with Pyloric Atresia. Identifiers: Orphanet 158684, MedGen C2677349, MONDO:0012807, OMIM 612138.
Epidermolysis bullosa simplex, Ogna type (EBS5A). Also called: Pidermolysis bullosa simplex 5A, Ogna type; EPIDERMOLYSIS BULLOSA SIMPLEX 5A, OGNA TYPE. Identifiers: Orphanet 79401, MedGen C0432317, MONDO:0007555, OMIM 131950.

gnomAD v4.1: 12 of 1,612,724 alleles (0.00074%); highest among the groups gnomAD compares: Admixed American, 0.0017%; no homozygotes.

Submission:

Labcorp Genetics (formerly Invitae), Labcorp
Classification: Uncertain significance for Autosomal recessive limb-girdle muscular dystrophy type 2Q; Epidermolysis bullosa simplex, Ogna type; Epidermolysis bullosa simplex with nail dystrophy; Epidermolysis bullosa simplex 5C, with pyloric atresia; Epidermolysis bullosa simplex 5B, with muscular dystrophy. Last evaluated: 2025-02-03. Review status: criteria provided, single submitter. Criteria: Invitae Variant Classification Sherloc (09022015). Collection method: clinical testing. Allele origin: germline.
Comment: This sequence change replaces serine, which is neutral and polar, with phenylalanine, which is neutral and non-polar, at codon 1325 of the PLEC protein (p.Ser1325Phe). The frequency data for this variant in the population databases is considered unreliable, as metrics indicate poor data quality at this position in the gnomAD database. This variant has not been reported in the literature in individuals affected with PLEC-related conditions. Invitae Evidence Modeling of protein sequence and biophysical properties (such as structural, functional, and spatial information, amino acid conservation, physicochemical variation, residue mobility, and thermodynamic stability) indicates that this missense variant is not expected to disrupt PLEC protein function with a negative predictive value of 80%. In summary, the available evidence is currently insufficient to determine the role of this variant in disease. Therefore, it has been classified as a Variant of Uncertain Significance.

NM_201384.3(PLEC):c.3893C>T (p.Ser1298Phe)

Gene: PLEC (plectin; minus strand). Cytogenetic location: 8q24.3.
Variant type: single nucleotide variant.
Coding change: c.3893C>T on transcript NM_201384.3 (MANE Select); coding-DNA position 3893, C replaced by T.
Protein change: p.Ser1298Phe; replaces serine 1298 with phenylalanine.
Molecular consequence: missense variant.
Genome position (GRCh38, 1-based): chr8:143,927,029, G>A on the plus strand (C>T on the coding strand, the complement: PLEC is on the minus strand). VCF-style: chr8-143927029-G-A. GRCh37 (hg19) VCF-style: chr8-145001197-G-A.
Other names: c.3974C>T, p.Ser1325Phe (NM_000445.5, NM_001410941.1); c.3851C>T, p.Ser1284Phe (NM_201378.4); c.3827C>T, p.Ser1276Phe (NM_201379.3); c.4304C>T, p.Ser1435Phe (NM_201380.4); c.3797C>T, p.Ser1266Phe (NM_201381.3); c.3893C>T, p.Ser1298Phe (NM_201382.4); c.3905C>T, p.Ser1302Phe (NM_201383.3); short protein forms S1266F, S1276F, S1284F, S1298F, S1302F, S1325F, S1435F.
Identifiers: ClinVar variation 3750823 (VCV003750823.2).